The following is an entry in ClinVar:

NM_000059.4(BRCA2):c.4862G>A (p.Cys1621Tyr)

Gene: BRCA2 (BRCA2 DNA repair associated; plus strand). Cytogenetic location: 13q13.1.
Variant type: single nucleotide variant.
Coding change: c.4862G>A on transcript NM_000059.4 (MANE Select); coding-DNA position 4862, G replaced by A.
Protein change: p.Cys1621Tyr; replaces cysteine 1621 with tyrosine.
Molecular consequence: missense variant.
Genome position (GRCh38, 1-based): chr13:32,339,217, G>A. VCF-style: chr13-32339217-G-A. GRCh37 (hg19) VCF-style: chr13-32913354-G-A.
Other names: short protein forms C1621Y.
Identifiers: ClinVar variation 924667 (VCV000924667.16), dbSNP rs730881534, ClinGen allele CA387783428.

ClinVar aggregate classification (germline): Conflicting classifications of pathogenicity. Review status: criteria provided, conflicting classifications (1 of 4 stars). 4 submissions from 4 submitters: Uncertain significance (2); Likely benign (2). Last evaluated 2023-12-05.

Conditions:
Hereditary cancer-predisposing syndrome. Also called: Neoplastic Syndromes, Hereditary; Tumor predisposition; Hereditary Cancer Syndrome; Hereditary neoplastic syndrome. Identifiers: Orphanet 140162, MedGen C0027672, MeSH D009386, MONDO:0015356.
Hereditary breast ovarian cancer syndrome. Also called: Hereditary breast and ovarian cancer syndrome; BRCA1- and BRCA2-Associated Hereditary Breast and Ovarian Cancer; Hereditary breast and ovarian cancer; Hereditary breast and ovarian cancer syndrome (HBOC); Breast and ovarian cancer; Hereditary breast and/or ovarian cancer syndrome. Identifiers: Orphanet 145, MedGen C0677776, MeSH D061325, MONDO:0003582. Disease mechanism: loss of function.

Allele frequency attached by ClinVar (database versions not stated): gnomAD exomes below 0.00001.

Submissions (4):

Color Diagnostics, LLC DBA Color Health
Classification: Uncertain significance for Hereditary cancer-predisposing syndrome. Last evaluated: 2023-12-05. Review status: criteria provided, single submitter. Criteria: ACMG Guidelines, 2015. Collection method: clinical testing. Allele origin: germline.
Comment: This missense variant replaces cysteine with tyrosine at codon 1621 of the BRCA2 protein. Computational prediction suggests that this variant may not impact protein structure and function (internally defined REVEL score threshold <= 0.5, PMID: 27666373). To our knowledge, functional studies have not been reported for this variant. This variant has not been reported in individuals affected with BRCA2-related disorders in the literature. This variant has been identified in 1/249784 chromosomes in the general population by the Genome Aggregation Database (gnomAD). The available evidence is insufficient to determine the role of this variant in disease conclusively. Therefore, this variant is classified as a Variant of Uncertain Significance.

Ambry Genetics
Classification: Likely benign for Hereditary cancer-predisposing syndrome. Last evaluated: 2023-07-10. Review status: criteria provided, single submitter. Criteria: Ambry Variant Classification Scheme 2023. Collection method: clinical testing. Allele origin: germline.

Labcorp Genetics (formerly Invitae), Labcorp
Classification: Uncertain significance for Hereditary breast ovarian cancer syndrome. Last evaluated: 2023-06-28. Review status: criteria provided, single submitter. Criteria: Invitae Variant Classification Sherloc (09022015). Collection method: clinical testing. Allele origin: germline.
Comment: In summary, the available evidence is currently insufficient to determine the role of this variant in disease. Therefore, it has been classified as a Variant of Uncertain Significance. Advanced modeling of protein sequence and biophysical properties (such as structural, functional, and spatial information, amino acid conservation, physicochemical variation, residue mobility, and thermodynamic stability) performed at Invitae indicates that this missense variant is not expected to disrupt BRCA2 protein function. ClinVar contains an entry for this variant (Variation ID: 924667). This variant has not been reported in the literature in individuals affected with BRCA2-related conditions. This variant is present in population databases (no rsID available, gnomAD 0.01%). This sequence change replaces cysteine, which is neutral and slightly polar, with tyrosine, which is neutral and polar, at codon 1621 of the BRCA2 protein (p.Cys1621Tyr).

University of Washington Department of Laboratory Medicine, University of Washington
Classification: Likely benign for Hereditary cancer-predisposing syndrome. Last evaluated: 2023-03-23. Review status: criteria provided, single submitter. Criteria: Dines et al. (Genet Med. 2020). Collection method: curation. Allele origin: germline.
Comment: Missense variant in a coldspot region where missense variants are very unlikely to be pathogenic (PMID:31911673).

BRCA2 exon 11 coldspot. Reclassification based on statistical prior probability.